The following is an entry in ClinVar:

NM_001283009.2(RTEL1):c.8A>C (p.Lys3Thr)

Genes: RTEL1 (regulator of telomere elongation helicase 1; plus strand), RTEL1-TNFRSF6B (RTEL1-TNFRSF6B readthrough (NMD candidate); plus strand). Cytogenetic location: 20q13.33.
Variant type: single nucleotide variant.
Coding change: c.8A>C on transcript NM_001283009.2 (MANE Select); coding-DNA position 8, A replaced by C.
Protein change: p.Lys3Thr; replaces lysine 3 with threonine.
Molecular consequence: missense variant. On other transcripts: non-coding transcript variant (1), intron variant (1).
Genome position (GRCh38, 1-based): chr20:63,659,410, A>C. VCF-style: chr20-63659410-A-C. GRCh37 (hg19) VCF-style: chr20-62290763-A-C.
Other names: c.8A>C, p.Lys3Thr (NM_016434.4, NM_032957.5); c.-568+951A>C (NM_001283010.1); c.8A>C (NM_001283009.1); short protein forms K3T.
Identifiers: ClinVar variation 582367 (VCV000582367.7), dbSNP rs779282812, ClinGen allele CA9964074.
Genomic context (GRCh38, chr20:63,659,410, plus strand): 5'-CCGAATAGCCTGCCCCTCAGCCACGCTCTGTGCCCTTCTGAGAACAGGCTGATATGCCCA[A>C]GATAGTCCTGAATGGTGTGACCGTAGACTTCCCTTTCCAGCCCTACAAATGCCAACAGGA-3'
Protein context (NP_001269938.1, residues 1-13): MP[Lys3Thr]IVLNGVTVDF

ClinVar aggregate classification (germline): Uncertain significance. Review status: criteria provided, multiple submitters, no conflicts (2 of 4 stars). 4 submissions from 4 submitters: Uncertain significance (3). 1 of the submissions does not count toward it. Last evaluated 2026-05-06.

Conditions:
Inborn genetic diseases. Identifiers: MedGen C0950123, MeSH D030342.
Dyskeratosis congenita, autosomal recessive 5 (DKCB5). Identifiers: MedGen C3554656, MONDO:0014076, OMIM 615190.
Pulmonary fibrosis and/or bone marrow failure, Telomere-related, 3. Also called: PULMONARY FIBROSIS AND/OR BONE MARROW FAILURE SYNDROME, TELOMERE-RELATED, 3. Identifiers: Orphanet 2032, MedGen C4225346, MONDO:0014613, OMIM 616373.
RTEL1-related disorder. Also called: RTEL1-related disorders; RTEL1-related condition.
Dyskeratosis congenita. Identifiers: Orphanet 1775, MedGen C0265965, MONDO:0015780.

Allele frequency attached by ClinVar (database versions not stated): gnomAD exomes 0.00002; ExAC 0.00003.
gnomAD v4.1: 20 of 1,613,812 alleles (0.0012%); highest among the groups gnomAD compares: Non-Finnish European, 0.0017%; no homozygotes.

Submissions (4):

PreventionGenetics, part of Exact Sciences
Classification: Uncertain significance for RTEL1-related condition. Last evaluated: 2026-05-06. Review status: criteria provided, single submitter. Criteria: ACMG Guidelines, 2015. Collection method: clinical testing. Allele origin: germline.
Comment: The RTEL1 c.8A>C variant is predicted to result in the amino acid substitution p.Lys3Thr. To our knowledge, this variant has not been reported in the literature. This variant is reported in 0.0035% of alleles in individuals of European (Non-Finnish) descent in gnomAD. This variant is interpreted as variant of uncertain significance in ClinVar (Variation ID: 582367). At this time, the clinical significance of this variant is uncertain due to the absence of conclusive functional and genetic evidence.

Labcorp Genetics (formerly Invitae), Labcorp
Classification: Uncertain significance for Dyskeratosis congenita, autosomal recessive 5; Pulmonary fibrosis and/or bone marrow failure, Telomere-related, 3. Last evaluated: 2025-12-02. Review status: criteria provided, single submitter. Criteria: Invitae Variant Classification Sherloc (09022015). Collection method: clinical testing. Allele origin: germline.
Comment: This sequence change replaces lysine, which is basic and polar, with threonine, which is neutral and polar, at codon 3 of the RTEL1 protein (p.Lys3Thr). This variant is present in population databases (rs779282812, gnomAD 0.004%). This variant has not been reported in the literature in individuals affected with RTEL1-related conditions. ClinVar contains an entry for this variant (Variation ID: 582367). An algorithm developed to predict the effect of missense changes on protein structure and function (PolyPhen-2) suggests that this variant is likely to be tolerated. In summary, the available evidence is currently insufficient to determine the role of this variant in disease. Therefore, it has been classified as a Variant of Uncertain Significance.

Ambry Genetics
Classification: Uncertain significance for Inborn genetic diseases. Last evaluated: 2025-02-01. Review status: criteria provided, single submitter. Criteria: Ambry Variant Classification Scheme 2023. Collection method: clinical testing. Allele origin: germline.
Comment: The p.K3T variant (also known as c.8A>C), located in coding exon 1 of the RTEL1 gene, results from an A to C substitution at nucleotide position 8. The lysine at codon 3 is replaced by threonine, an amino acid with similar properties. This amino acid position is conserved. In addition, this alteration is predicted to be tolerated by in silico analysis. Based on the available evidence, the clinical significance of this variant remains unclear.

Natera, Inc.
Classification: Uncertain significance for Dyskeratosis congenita. Last evaluated: 2019-11-11. Review status: no assertion criteria provided. Collection method: clinical testing. Allele origin: germline. Not counted in ClinVar's aggregate classification.